The following is an entry in ClinVar:

NM_182961.4(SYNE1):c.20741A>C (p.His6914Pro)

Gene: SYNE1 (spectrin repeat containing nuclear envelope protein 1; minus strand). Cytogenetic location: 6q25.2.
Variant type: single nucleotide variant.
Coding change: c.20741A>C on transcript NM_182961.4 (MANE Select); coding-DNA position 20741, A replaced by C.
Protein change: p.His6914Pro; replaces histidine 6914 with proline.
Molecular consequence: missense variant.
Genome position (GRCh38, 1-based): chr6:152,232,237, T>G on the plus strand (A>C on the coding strand, the complement: SYNE1 is on the minus strand). VCF-style: chr6-152232237-T-G. GRCh37 (hg19) VCF-style: chr6-152553372-T-G.
Other names: c.20528A>C, p.His6843Pro (NM_033071.5); short protein forms H6843P, H6914P.
Identifiers: ClinVar variation 355837 (VCV000355837.9), dbSNP rs773155844, ClinGen allele CA4054333.

ClinVar aggregate classification (germline): Uncertain significance. Review status: criteria provided, multiple submitters, no conflicts (2 of 4 stars). 3 submissions from 2 submitters: Uncertain significance (3). Last evaluated 2022-06-03.

Conditions:
Autosomal recessive ataxia, Beauce type. Also called: SYNE1 Deficiency; SYNE1-Related Autosomal Recessive Cerebellar Ataxia; Spinocerebellar ataxia, autosomal recessive 8; ATAXIA, RECESSIVE, OF BEAUCE. Identifiers: Orphanet 88644, MedGen C1853116, MONDO:0012549, OMIM 610743.
Emery-Dreifuss muscular dystrophy 4, autosomal dominant (EDMD4). Also called: EMERY-DREIFUSS MUSCULAR DYSTROPHY 4 WITH VARIABLE FEATURES. Identifiers: Orphanet 261, MedGen C2751807, MONDO:0013071, OMIM 612998.

Allele frequency attached by ClinVar (database versions not stated): ExAC 0.00001; gnomAD exomes 0.00002.
gnomAD v4.1: 5 of 1,614,048 alleles (0.00031%); highest among the groups gnomAD compares: Admixed American, 0.0083%; no homozygotes.

Submissions (3):

Labcorp Genetics (formerly Invitae), Labcorp
Classification: Uncertain significance for Emery-Dreifuss muscular dystrophy 4, autosomal dominant; Autosomal recessive ataxia, Beauce type. Last evaluated: 2022-06-03. Review status: criteria provided, single submitter. Criteria: Invitae Variant Classification Sherloc (09022015). Collection method: clinical testing. Allele origin: germline.
Comment: This variant has not been reported in the literature in individuals affected with SYNE1-related conditions. In summary, the available evidence is currently insufficient to determine the role of this variant in disease. Therefore, it has been classified as a Variant of Uncertain Significance. Algorithms developed to predict the effect of missense changes on protein structure and function (SIFT, PolyPhen-2, Align-GVGD) all suggest that this variant is likely to be disruptive. ClinVar contains an entry for this variant (Variation ID: 355837). This variant is present in population databases (rs773155844, gnomAD 0.01%). This sequence change replaces histidine, which is basic and polar, with proline, which is neutral and non-polar, at codon 6843 of the SYNE1 protein (p.His6843Pro).

Illumina Laboratory Services, Illumina
Classification: Uncertain significance for Autosomal recessive ataxia, Beauce type. Last evaluated: 2018-01-13. Review status: criteria provided, single submitter. Criteria: ICSL Variant Classification Criteria 13 December 2019. Collection method: clinical testing. Allele origin: germline.

Illumina Laboratory Services, Illumina
Classification: Uncertain significance for Emery-Dreifuss muscular dystrophy 4, autosomal dominant. Last evaluated: 2018-01-13. Review status: criteria provided, single submitter. Criteria: ICSL Variant Classification Criteria 13 December 2019. Collection method: clinical testing. Allele origin: germline.